The following is an entry in ClinVar:

NM_018451.5(CPAP):c.2806A>G (p.Ser936Gly)

Gene: CPAP (centrosome assembly and centriole elongation protein; minus strand). Cytogenetic location: 13q12.13.
Variant type: single nucleotide variant.
Coding change: c.2806A>G on transcript NM_018451.5 (MANE Select); coding-DNA position 2806, A replaced by G.
Protein change: p.Ser936Gly; replaces serine 936 with glycine.
Molecular consequence: missense variant. On other transcripts: non-coding transcript variant (2).
Genome position (GRCh38, 1-based): chr13:24,903,945, T>C on the plus strand (A>G on the coding strand, the complement: CPAP is on the minus strand). VCF-style: chr13-24903945-T-C. GRCh37 (hg19) VCF-style: chr13-25478083-T-C.
Other names: short protein forms S936G.
Identifiers: ClinVar variation 158204 (VCV000158204.21), dbSNP rs75008861, ClinGen allele CA171688.

ClinVar aggregate classification (germline): Benign/Likely benign. Review status: criteria provided, multiple submitters, no conflicts (2 of 4 stars). 6 submissions from 5 submitters: Benign (2); Likely benign (3). 1 of the submissions does not count toward it. Last evaluated 2025-09-11.

Conditions:
Seckel syndrome 4 (SCKL4). Identifiers: Orphanet 808, MedGen C3888212, MONDO:0013358, OMIM 613676.
Microcephaly 6, primary, autosomal recessive. Identifiers: Orphanet 2512, MedGen C1842109, MONDO:0012029, OMIM 608393.

Allele frequency attached by ClinVar (database versions not stated): gnomAD exomes 0.00052 and 0.00195; gnomAD 0.00070 and 0.00096; TOPMed 0.00121; ExAC 0.00191; 1000 Genomes Project 30x 0.00437; 1000 Genomes Project 0.00499.
gnomAD v4.1: 919 of 1,614,176 alleles (0.057%); highest among the groups gnomAD compares: East Asian, 1.8%; 8 homozygotes.

Submissions (9):

Labcorp Genetics (formerly Invitae), Labcorp
Classification: Benign. Last evaluated: 2025-09-11. Review status: criteria provided, single submitter. Criteria: Invitae Variant Classification Sherloc (09022015). Collection method: clinical testing. Allele origin: germline.

GeneDx
Classification: Likely benign. Last evaluated: 2020-11-02. Review status: criteria provided, single submitter. Criteria: GeneDx Variant Classification Process June 2021. Collection method: clinical testing. Allele origin: germline. Affected: yes.

Illumina Laboratory Services, Illumina
Classification: Likely benign for Microcephaly 6, primary, autosomal recessive. Last evaluated: 2018-01-13. Review status: criteria provided, single submitter. Criteria: ICSL Variant Classification Criteria 13 December 2019. Collection method: clinical testing. Allele origin: germline.
Comment: This variant was observed in the ICSL laboratory as part of a predisposition screen in an ostensibly healthy population. It had not been previously curated by ICSL or reported in the Human Gene Mutation Database (HGMD: prior to June 1st, 2018), and was therefore a candidate for classification through an automated scoring system. Utilizing variant allele frequency, disease prevalence and penetrance estimates, and inheritance mode, an automated score was calculated to assess if this variant is too frequent to cause the disease. Based on the score and internal cut-off values, a variant classified as likely benign is not then subjected to further curation. The score for this variant resulted in a classification of likely benign for this disease.

Illumina Laboratory Services, Illumina
Classification: Benign for Seckel syndrome 4. Last evaluated: 2018-01-13. Review status: criteria provided, single submitter. Criteria: ICSL Variant Classification Criteria 13 December 2019. Collection method: clinical testing. Allele origin: germline.
Comment: This variant was observed in the ICSL laboratory as part of a predisposition screen in an ostensibly healthy population. It had not been previously curated by ICSL or reported in the Human Gene Mutation Database (HGMD: prior to June 1st, 2018), and was therefore a candidate for classification through an automated scoring system. Utilizing variant allele frequency, disease prevalence and penetrance estimates, and inheritance mode, an automated score was calculated to assess if this variant is too frequent to cause the disease. Based on the score and internal cut-off values, a variant classified as benign is not then subjected to further curation. The score for this variant resulted in a classification of benign for this disease.

Breakthrough Genomics
Classification: Likely benign. Review status: criteria provided, single submitter. Criteria: ACMG Guidelines, 2015. Collection method: not provided. Allele origin: germline. Inheritance: Autosomal recessive inheritance. Affected: yes.

Dr. Peter K. Rogan Lab, Western University
No classification provided (evidence only). Condition: Sarcoma. Review status: no classification provided. Collection method: in vitro. Allele origin: not applicable. Functional consequence: retained intron. Not counted in ClinVar's aggregate classification.

Dr. Peter K. Rogan Lab, Western University
No classification provided (evidence only). Condition: Gastric cancer. Review status: no classification provided. Collection method: in vitro. Allele origin: not applicable. Functional consequence: retained intron. Not counted in ClinVar's aggregate classification.

Dr. Peter K. Rogan Lab, Western University
No classification provided (evidence only). Condition: Gastric cancer. Review status: no classification provided. Collection method: in vitro. Allele origin: not applicable. Functional consequence: retained intron. Not counted in ClinVar's aggregate classification.

Genetic Services Laboratory, University of Chicago
Classification: Likely benign. Review status: no assertion criteria provided. Collection method: clinical testing. Allele origin: germline. Inheritance: Autosomal recessive inheritance. Not counted in ClinVar's aggregate classification.
Comment: Likely benign based on allele frequency in 1000 Genomes Project or ESP global frequency and its presence in a patient with a rare or unrelated disease phenotype. NOT Sanger confirmed